The following is an entry in ClinVar:

ClinVar aggregate classification (germline): Uncertain significance (1 of 4 stars; one submission).

Conditions:
Hereditary cancer-predisposing syndrome. Also called: Neoplastic Syndromes, Hereditary; Tumor predisposition; Hereditary Cancer Syndrome; Hereditary neoplastic syndrome. Identifiers: Orphanet 140162, MedGen C0027672, MeSH D009386, MONDO:0015356.

Submission:

Ambry Genetics
Classification: Uncertain significance for Hereditary cancer-predisposing syndrome. Last evaluated: 2025-12-09. Review status: criteria provided, single submitter. Criteria: Ambry Variant Classification Scheme 2023. Collection method: clinical testing. Allele origin: germline.
Comment: The p.H462Q variant (also known as c.1386T>G), located in coding exon 10 of the APC gene, results from a T to G substitution at nucleotide position 1386. The histidine at codon 462 is replaced by glutamine, an amino acid with highly similar properties. This amino acid position is conserved. In addition, in silico predictors for this gene do not accurately predict pathogenicity. Based on the available evidence, the clinical significance of this variant remains unclear.

NM_000038.6(APC):c.1386T>G (p.His462Gln)

Gene: APC (APC regulator of Wnt signaling pathway; plus strand). Cytogenetic location: 5q22.2.
Variant type: single nucleotide variant.
Coding change: c.1386T>G on transcript NM_000038.6 (MANE Select); coding-DNA position 1386, T replaced by G.
Protein change: p.His462Gln; replaces histidine 462 with glutamine.
Molecular consequence: missense variant. On other transcripts: non-coding transcript variant (2).
Genome position (GRCh38, 1-based): chr5:112,821,969, T>G. VCF-style: chr5-112821969-T-G. GRCh37 (hg19) VCF-style: chr5-112157666-T-G.
Other names: c.1386T>G, p.His462Gln (NM_001127510.3, NM_001354895.2, NM_001354896.2 and 4 more transcripts); c.1332T>G, p.His444Gln (NM_001127511.3); c.1416T>G, p.His472Gln (NM_001354897.2, NM_001407446.1); c.1311T>G, p.His437Gln (NM_001354898.2, NM_001407451.1); c.1302T>G, p.His434Gln (NM_001354899.2, NM_001407452.1); c.1209T>G, p.His403Gln (NM_001354900.2, NM_001354901.2, NM_001407453.1); c.1113T>G, p.His371Gln (NM_001354902.2); c.1083T>G, p.His361Gln (NM_001354903.2, NM_001407454.1, NM_001407455.1 and 5 more transcripts); and 5 more; short protein forms H333Q, H462Q, H472Q, H361Q, H403Q, H179Q, H371Q, H434Q.
Identifiers: ClinVar variation 4595597 (VCV004595597.1).
Genomic context (GRCh38, chr5:112,821,969, plus strand): 5'-TGAACATCAGATCTGTCCTGCTGTGTGTGTTCTAATGAAACTTTCATTTGATGAAGAGCA[T>G]AGACATGCAATGAATGAACTAGGTAAGACAAAAATGTTTTTTAATGACATAGACAATTAC-3'
Protein context (NP_000029.2, residues 452-472): VLMKLSFDEE[His462Gln]RHAMNELGGL